The following is an entry in ClinVar:

NM_000218.3(KCNQ1):c.514G>C (p.Val172Leu)

Gene: KCNQ1 (potassium voltage-gated channel subfamily Q member 1; plus strand). Cytogenetic location: 11p15.5.
Variant type: single nucleotide variant.
Coding change: c.514G>C on transcript NM_000218.3 (MANE Select); coding-DNA position 514, G replaced by C.
Protein change: p.Val172Leu; replaces valine 172 with leucine.
Molecular consequence: missense variant.
Genome position (GRCh38, 1-based): chr11:2,570,664, G>C. VCF-style: chr11-2570664-G-C. GRCh37 (hg19) VCF-style: chr11-2591894-G-C.
Other names: c.514G>C, p.Val172Leu (NM_001406836.1); c.244G>C, p.Val82Leu (NM_001406837.1); c.133G>C, p.Val45Leu (NM_181798.2); short protein forms V45L, V172L, V82L.
Identifiers: ClinVar variation 653086 (VCV000653086.10), dbSNP rs199472694, ClinGen allele CA379129862.

ClinVar aggregate classification (germline): Uncertain significance (1 of 4 stars; one submission).

Conditions:
Long QT syndrome (LQTS). Identifiers: MedGen C0023976, MeSH D008133, MONDO:0002442. Disease mechanism: loss of function. Inheritance: Various modes of inheritance.

gnomAD v4.1: 1 of 1,612,646 alleles (0.000062%); highest among the groups gnomAD compares: South Asian, 0.0011%; no homozygotes.

Submission:

Labcorp Genetics (formerly Invitae), Labcorp
Classification: Uncertain significance for Long QT syndrome. Last evaluated: 2018-08-05. Review status: criteria provided, single submitter. Criteria: Invitae Variant Classification Sherloc (09022015). Collection method: clinical testing. Allele origin: germline.
Comment: This sequence change replaces valine with leucine at codon 172 of the KCNQ1 protein (p.Val172Leu). The valine residue is highly conserved and there is a small physicochemical difference between valine and leucine. This variant is not present in population databases (ExAC no frequency). This variant has not been reported in the literature in individuals with KCNQ1-related disease. Algorithms developed to predict the effect of missense changes on protein structure and function (SIFT, PolyPhen-2, Align-GVGD) all suggest that this variant is likely to be tolerated, but these predictions have not been confirmed by published functional studies and their clinical significance is uncertain. In summary, the available evidence is currently insufficient to determine the role of this variant in disease. Therefore, it has been classified as a Variant of Uncertain Significance.